The following is an entry in ClinVar:

ClinVar aggregate classification (germline): Uncertain significance (1 of 4 stars; one submission).

Conditions:
Hereditary pancreatitis (PCTT). Also called: Hereditary chronic pancreatitis; PRSS1-Related Hereditary Pancreatitis. Identifiers: Orphanet 676, MedGen C0238339, MONDO:0008185, OMIM 167800.

gnomAD v4.1: 3 of 1,614,092 alleles (0.00019%); highest among the groups gnomAD compares: African/African-American, 0.0027%; no homozygotes.

Submission:

Ambry Genetics
Classification: Uncertain significance for Hereditary pancreatitis. Last evaluated: 2023-10-01. Review status: criteria provided, single submitter. Criteria: Ambry Variant Classification Scheme 2023. Collection method: clinical testing. Allele origin: germline.
Comment: The p.W236R variant (also known as c.706T>A), located in coding exon 7 of the CPA1 gene, results from a T to A substitution at nucleotide position 706. The tryptophan at codon 236 is replaced by arginine, an amino acid with dissimilar properties. This amino acid position is conserved. In addition, this alteration is predicted to be deleterious by in silico analysis. Since supporting evidence is limited at this time, the clinical significance of this alteration remains unclear.

NM_001868.4(CPA1):c.706T>A (p.Trp236Arg)

Gene: CPA1 (carboxypeptidase A1; plus strand). Cytogenetic location: 7q32.2.
Variant type: single nucleotide variant.
Coding change: c.706T>A on transcript NM_001868.4 (MANE Select); coding-DNA position 706, T replaced by A.
Protein change: p.Trp236Arg; replaces tryptophan 236 with arginine.
Molecular consequence: missense variant.
Genome position (GRCh38, 1-based): chr7:130,384,545, T>A. VCF-style: chr7-130384545-T-A. GRCh37 (hg19) VCF-style: chr7-130024386-T-A.
Other names: short protein forms W236R.
Identifiers: ClinVar variation 1756999 (VCV001756999.2), dbSNP rs1554411717, ClinGen allele CA369282900.